The following is an entry in ClinVar:

ClinVar aggregate classification (germline): Uncertain significance (1 of 4 stars; one submission).

Allele frequency attached by ClinVar (database versions not stated): gnomAD exomes below 0.00001 and 0.00001; ExAC 0.00002; gnomAD 0.00004; TOPMed 0.00005.

Submission:

Labcorp Genetics (formerly Invitae), Labcorp
Classification: Uncertain significance. Last evaluated: 2022-07-03. Review status: criteria provided, single submitter. Criteria: Invitae Variant Classification Sherloc (09022015). Collection method: clinical testing. Allele origin: germline.
Comment: This sequence change replaces asparagine, which is neutral and polar, with aspartic acid, which is acidic and polar, at codon 50 of the PHYH protein (p.Asn50Asp). This variant is present in population databases (rs767030794, gnomAD 0.02%). This variant has not been reported in the literature in individuals affected with PHYH-related conditions. ClinVar contains an entry for this variant (Variation ID: 857261). Algorithms developed to predict the effect of missense changes on protein structure and function (SIFT, PolyPhen-2, Align-GVGD) all suggest that this variant is likely to be tolerated. In summary, the available evidence is currently insufficient to determine the role of this variant in disease. Therefore, it has been classified as a Variant of Uncertain Significance.

NM_006214.4(PHYH):c.148A>G (p.Asn50Asp)

Gene: PHYH (phytanoyl-CoA 2-hydroxylase; minus strand). Cytogenetic location: 10p13.
Variant type: single nucleotide variant.
Coding change: c.148A>G on transcript NM_006214.4 (MANE Select); coding-DNA position 148, A replaced by G.
Protein change: p.Asn50Asp; replaces asparagine 50 with aspartic acid.
Molecular consequence: missense variant. On other transcripts: 5 prime UTR variant (3).
Genome position (GRCh38, 1-based): chr10:13,295,593, T>C on the plus strand (A>G on the coding strand, the complement: PHYH is on the minus strand). VCF-style: chr10-13295593-T-C. GRCh37 (hg19) VCF-style: chr10-13337593-T-C.
Other names: c.-153A>G (NM_001037537.2, NM_001323080.2, NM_001323084.2); c.148A>G, p.Asn50Asp (NM_001323082.2, NM_001323083.2); short protein forms N50D.
Identifiers: ClinVar variation 857261 (VCV000857261.6), dbSNP rs767030794, ClinGen allele CA5412465.